The following is an entry in ClinVar:

NM_001127392.3(MYRF):c.148_152del (p.Ile50fs)

Gene: MYRF (myelin regulatory factor; plus strand). Cytogenetic location: 11q12.2.
Variant type: Deletion.
Coding change: c.148_152del on transcript NM_001127392.3 (MANE Select); coding-DNA positions 148 to 152, 5 bases deleted (ATCTC; older notation c.148_152delATCTC).
Protein change: p.Ile50fs; shifts the reading frame from isoleucine 50.
Molecular consequence: frameshift variant.
Genome position (GRCh38, 1-based): chr11:61,765,971-61,765,975, ATCTC deleted; deleting any 5 consecutive bases within chr11:61,765,970-61,765,975 gives the same sequence; the c. name uses the placement nearest the transcript's 3' end. VCF-style (leftmost placement, unchanged base first): chr11-61765969-ACATCT-A. GRCh37 (hg19) VCF-style: chr11-61533441-ACATCT-A.
Other names: c.121_125del, p.Ile41fs (NM_013279.4); short protein forms I41fs, I50fs.
Identifiers: ClinVar variation 3772320 (VCV003772320.13).

ClinVar aggregate classification (germline): Pathogenic (1 of 4 stars; one submission).

Submission:

CeGaT Center for Human Genetics Tuebingen
Classification: Pathogenic. Last evaluated: 2025-01-01. Review status: criteria provided, single submitter. Criteria: CeGaT Center For Human Genetics Tuebingen Variant Classification Criteria Version 2. Collection method: clinical testing. Allele origin: germline. Affected: yes. Observed: 1 variant allele.
Comment: MYRF: PVS1, PS2, PM2